The following is an entry in ClinVar:

NM_001354712.2(THRB):c.1313G>A (p.Arg438His)

Gene: THRB (thyroid hormone receptor beta; minus strand). Cytogenetic location: 3p24.2.
Variant type: single nucleotide variant.
Coding change: c.1313G>A on transcript NM_001354712.2 (MANE Select); coding-DNA position 1313, G replaced by A.
Protein change: p.Arg438His; replaces arginine 438 with histidine.
Molecular consequence: missense variant.
Genome position (GRCh38, 1-based): chr3:24,122,957, C>T on the plus strand (G>A on the coding strand, the complement: THRB is on the minus strand). VCF-style: chr3-24122957-C-T. GRCh37 (hg19) VCF-style: chr3-24164448-C-T.
Other names: c.1313G>A, p.Arg438His (NM_000461.5, NM_001128176.3, NM_001128177.2 and 6 more transcripts); c.1220G>A, p.Arg407His (NM_001354714.2, NM_001354715.2); short protein forms R438H, R407H.
Identifiers: ClinVar variation 12559 (VCV000012559.11), dbSNP rs121918698, ClinGen allele CA122497.

ClinVar aggregate classification (germline): Pathogenic. Review status: criteria provided, multiple submitters, no conflicts (2 of 4 stars). 11 submissions from 11 submitters: Pathogenic (9). 2 of the submissions do not count toward it. Last evaluated 2026-09-02.

Conditions:
THRB-related disorder. Also called: THRB-related condition.
Inborn genetic diseases. Identifiers: MedGen C0950123, MeSH D030342.
Hyperthyroidism. Identifiers: MedGen C0020550, MONDO:0004425, HP:0000836.
Thyroid hormone resistance, generalized, autosomal dominant (GRTHD). Also called: HYPERTHYROXINEMIA, FAMILIAL EUTHYROID, SECONDARY TO PITUITARY AND PERIPHERAL RESISTANCE TO THYROID HORMONES. Identifiers: MedGen C2937288, MONDO:0008569, OMIM 188570.

Allele frequency attached by ClinVar (database versions not stated): TOPMed below 0.00001; gnomAD 0.00001.
gnomAD v4.1: 1 of 1,614,018 alleles (0.000062%); highest among the groups gnomAD compares: Non-Finnish European, 0.000085%; no homozygotes.

Submissions (11):

PreventionGenetics, part of Exact Sciences
Classification: Pathogenic for THRB-related condition. Last evaluated: 2026-09-02. Review status: criteria provided, single submitter. Criteria: ACMG Guidelines, 2015. Collection method: clinical testing. Allele origin: germline.
Comment: The THRB c.1313G>A variant is predicted to result in the amino acid substitution p.Arg438His. This variant has been reported in multiple families with generalized resistance to thyroid hormone (GRTH; see for example: Han et al. 2015. PubMed ID: 26041374; Cardoso et al. 2014. PubMed ID: 25063548; Adams et al. 1994. PubMed ID: 8040303). Patients who are heterozygous for this variant may have late onset manifestations and a relatively mild phenotype (Han et al. 2015. PubMed ID: 26041374; Cardoso et al. 2014. PubMed ID: 25063548). This variant is reported in 1 of ~31,000 alleles in gnomAD. Other substitutions at the same amino acid position (p.Arg438Cys and p.Arg438Pro) have also been reported to be pathogenic (Adams et al. 1994. PubMed ID: 8040303; Esquiaveto-Aun et al. 2015. PubMed ID: 25738994). The c.1313G>A (p.Arg438His) variant is interpreted as pathogenic.

Cambridge Genomics Laboratory, East Genomic Laboratory Hub, NHS Genomic Medicine Service
Classification: Pathogenic for Hyperthyroidism. Last evaluated: 2026-08-26. Review status: criteria provided, single submitter. Criteria: ACGS Best Practice Guidelines for Variant Classification in Rare Disease 2020. Collection method: clinical testing. Allele origin: germline. Affected: yes.
Comment: PS4_Moderate,PM1_Supporting,PM2_Supporting,PM5,PP1_Strong,PP4_Moderate

Ambry Genetics
Classification: Pathogenic for Inborn genetic diseases. Last evaluated: 2026-03-30. Review status: criteria provided, single submitter. Criteria: Ambry Variant Classification Scheme 2023. Collection method: clinical testing. Allele origin: germline.
Comment: The c.1313G>A (p.R438H) alteration is located in exon 10 (coding exon 8) of the THRB gene. This alteration results from a G to A substitution at nucleotide position 1313, causing the arginine (R) at amino acid position 438 to be replaced by a histidine (H). for autosomal dominant thyroid hormone resistance. Based on data from gnomAD, this allele has an overall frequency of 0.003% (1/31394) total alleles studied. The highest observed frequency was 0.007% (1/15428) of European (non-Finnish) alleles. This variant was reported in individual(s) with features consistent with thyroid hormone resistance and segregated with disease in at least one family; in at least one individual, it was determined to be de novo (Boothroyd, 1991; Weiss, 1993; Adams, 1994; Gurnell, 1998; Safer, 2001; Magalh&atilde;es, 2007; Cardoso, 2014; Han, 2015; Zaig, 2018; Seetharaman, 2023). Other variant(s) at the same codon, c.1313G>C (p.R438P) and c.1312C>T (p.R438C), have been identified in individual(s) with features consistent with thyroid hormone resistance (Adams, 1994; Esquiaveto-Aun, 2015; Toumba, 2019). This amino acid position is highly conserved in available vertebrate species. This missense variant is located in a region that has a low rate of benign missense variation (Lek, 2016; Firth, 2009). This alteration is predicted to be deleterious by in silico analysis. Based on the available evidence, this alteration is classified as pathogenic.

Victorian Clinical Genetics Services, Murdoch Childrens Research Institute
Classification: Pathogenic for Thyroid hormone resistance, generalized, autosomal dominant. Last evaluated: 2026-02-18. Review status: criteria provided, single submitter. Criteria: ACMG Guidelines, 2015. Collection method: clinical testing. Allele origin: germline. Affected: yes.
Comment: This variant is classified as Pathogenic. Evidence in support of pathogenic classification: Variant is present in gnomAD <0.001 for a dominant condition (v4: 1 heterozygote(s), 0 homozygote(s)); This variant has strong previous evidence of pathogenicity in unrelated individuals. This variant has been classified as pathogenic by multiple clinical laboratories (ClinVar). This variant has been reported in multiple individuals with diagnosed or suspected generalised resistance to thyroid hormone (PMIDs: 17610520, 26041374, 32635414); Missense variant predicted to be damaging by in silico tool(s) or highly conserved with a major amino acid change. Additional information: Variant is predicted to result in a missense amino acid change from Arg to His; This gene is associated with both recessive and dominant disease (OMIM). Autosomal dominant disease is due to a dominant negative effect on the wild type protein, while recessive disease has been described in association with a THRB gene deletion (PMID: 30976996); Alternative amino acid change(s) at the same position are present in gnomAD (highest allele count: v4: 4 heterozygote(s), 0 homozygote(s)); Variant is located in the annotated Hormone_recep domain (DECIPHER); Dominant negative is a known mechanism of disease in this gene and is associated with thyroid hormone resistance (MIM#188570) and thyroid hormone resistance, selective pituitary (MIM#145650) (OMIM; PMID: 30976996); Variants in this gene are known to have variable expressivity. Clinical variability and heterogeneity are well documented in affected individuals (PMID: 30976996).

Women's Health and Genetics/Laboratory Corporation of America, LabCorp
Classification: Pathogenic for Thyroid hormone resistance, generalized, autosomal dominant. Last evaluated: 2023-12-21. Review status: criteria provided, single submitter. Criteria: LabCorp Variant Classification Summary - May 2015. Collection method: clinical testing. Allele origin: germline.
Comment: Variant summary: THRB c.1313G>A (p.Arg438His) results in a non-conservative amino acid change located in the Nuclear hormone receptor, ligand-binding domain (IPR000536) of the encoded protein sequence. Five of five in-silico tools predict a damaging effect of the variant on protein function. The variant was absent in 251486 control chromosomes (gnomAD). c.1313G>A has been reported in the literature in multiple individuals affected with Thyroid Hormone Resistance, Generalized, Autosomal Dominant (examples: Adams_1994, Han_2015). These data indicate that the variant is very likely to be associated with disease. The following publications have been ascertained in the context of this evaluation (PMID: 26041374, 8040303). Two submitters have cited clinical-significance assessments for this variant to ClinVar after 2014. All submitters classified the variant as pathogenic. Based on the evidence outlined above, the variant was classified as pathogenic.

3billion
Classification: Pathogenic for Thyroid hormone resistance, generalized, autosomal dominant. Last evaluated: 2023-11-07. Review status: criteria provided, single submitter. Criteria: ACMG Guidelines, 2015. Collection method: clinical testing. Allele origin: germline. Affected: yes.
Comment: The variant is observed at an extremely low frequency in the gnomAD v2.1.1 dataset (total allele frequency: 0.003%). Predicted Consequence/Location: Missense changes are a common disease-causing mechanism. In silico tool predictions suggest damaging effect of the variant on gene or gene product [REVEL: 0.92 (>=0.6, sensitivity 0.68 and specificity 0.92); 3Cnet: 0.94 (>=0.6, sensitivity 0.72 and precision 0.9)]. Same nucleotide change resulting in same amino acid change(ClinVar ID: VCV000012559 /PMID: 1677564) and different missense changes at the same codon (p.Arg438Cys, p.Arg438Pro / ClinVar ID: VCV000492921 /PMID: 25738994, 8040303) have been previously reported as pathogenic/likely pathogenic with strong evidence. Therefore, this variant is classified as Pathogenic according to the recommendation of ACMG/AMP guideline.

Blueprint Genetics
Classification: Pathogenic for THRB-related disorders. Last evaluated: 2022-11-10. Review status: criteria provided, single submitter. Criteria: ACMG Guidelines, 2015. Collection method: clinical testing. Allele origin: germline. Affected: yes. Observed: 4 variant alleles.

GeneDx
Classification: Pathogenic. Last evaluated: 2022-08-29. Review status: criteria provided, single submitter. Criteria: GeneDx Variant Classification Process June 2021. Collection method: clinical testing. Allele origin: germline. Affected: yes.
Comment: In silico analysis supports that this missense variant has a deleterious effect on protein structure/function; Not observed at significant frequency in large population cohorts (gnomAD); This variant is associated with the following publications: (PMID: 11327621, 30430796, 32635414, 17610520, 25738994, 8670802, 8013151, 8514853, 34860176, 21871106, 22507269, 33524107, 8435883, 1677564, 9737363, 25063548, 3124992, 1548332, 8040316, 23926384, 8040303, 20237409, 31655060, 33868182, 11788648, 34727089, 26041374)

Quest Diagnostics Nichols Institute San Juan Capistrano
Classification: Pathogenic. Last evaluated: 2020-10-19. Review status: criteria provided, single submitter. Criteria: Quest Diagnostics criteria. Collection method: clinical testing. Allele origin: unknown.
Comment: The frequency of this variant in the general population is consistent with pathogenicity. Found in at least one patient with expected phenotype for this gene. Predicted to have a damaging effect on the protein. Located in potentially critical domain of the protein. One other pathogenic or likely pathogenic variant affects the same amino acid. Assessment of experimental evidence suggests this variant results in abnormal protein function. One de novo case with parental identity NOT confirmed. Strong co-segregation with disease, and data include affected and unaffected individuals from multiple families.

Clinical Molecular Genetics Laboratory, Johns Hopkins All Children's Hospital
Classification: Pathogenic for Thyroid hormone resistance, generalized, autosomal dominant. Last evaluated: 2012-01-20. Review status: no assertion criteria provided. Collection method: clinical testing. Allele origin: germline. Affected: yes. Not counted in ClinVar's aggregate classification.

OMIM
Classification: Pathogenic for THYROID HORMONE RESISTANCE, GENERALIZED, AUTOSOMAL DOMINANT. Last evaluated: 1994-05-01. Review status: no assertion criteria provided. Collection method: literature only. Allele origin: germline. Not counted in ClinVar's aggregate classification.

Literature cited by the submitters: PubMed 1677564 (cited by 4 submitters); PubMed 8040303 (cited by Ambry Genetics and Women's Health and Genetics/Laboratory Corporation of America, LabCorp); PubMed 8514853 (cited by 3 submitters); PubMed 9737363 (cited by Ambry Genetics); PubMed 11327621 (cited by Ambry Genetics); PubMed 17610520 (cited by 3 submitters); PubMed 25063548 (cited by Ambry Genetics and Quest Diagnostics Nichols Institute San Juan Capistrano); PubMed 25738994 (cited by 3 submitters); PubMed 26041374 (cited by 3 submitters); PubMed 30430796 (cited by Ambry Genetics); PubMed 32581500 (cited by Ambry Genetics); PubMed 37251972 (cited by Ambry Genetics); PubMed 30976996 (cited by Victorian Clinical Genetics Services, Murdoch Childrens Research Institute); PubMed 32635414 (cited by Victorian Clinical Genetics Services, Murdoch Childrens Research Institute); PubMed 8013151 (cited by Quest Diagnostics Nichols Institute San Juan Capistrano and OMIM); PubMed 8670802 (cited by Quest Diagnostics Nichols Institute San Juan Capistrano).